The following is an entry in ClinVar:

NM_000548.5(TSC2):c.3883+3A>G

Gene: TSC2 (TSC complex subunit 2; plus strand). Cytogenetic location: 16p13.3.
Variant type: single nucleotide variant.
Coding change: c.3883+3A>G on transcript NM_000548.5 (MANE Select); 3 bases into the intron after coding-DNA position 3883, A replaced by G.
Molecular consequence: intron variant.
Genome position (GRCh38, 1-based): chr16:2,082,507, A>G. VCF-style: chr16-2082507-A-G. GRCh37 (hg19) VCF-style: chr16-2132508-A-G.
Other names: c.3814+709A>G (NM_001114382.3); c.3754+3A>G (NM_021055.3, NM_001370405.1); c.3685+709A>G (NM_001363528.2); c.3751+3A>G (NM_001370404.1); c.3682+709A>G (NM_001077183.3); c.3574+709A>G (NM_001318827.2); c.3151+3A>G (NM_001318831.2); c.3538+709A>G (NM_001318829.2); and 1 more.
Identifiers: ClinVar variation 824334 (VCV000824334.11), dbSNP rs1366233650, ClinGen allele CA620378683.

ClinVar aggregate classification (germline): Uncertain significance. Review status: criteria provided, multiple submitters, no conflicts (2 of 4 stars). 3 submissions from 3 submitters: Uncertain significance (3). Last evaluated 2025-09-22.

Conditions:
Hereditary cancer-predisposing syndrome. Also called: Neoplastic Syndromes, Hereditary; Hereditary Cancer Syndrome; Hereditary neoplastic syndrome; Tumor predisposition. Identifiers: Orphanet 140162, MedGen C0027672, MeSH D009386, MONDO:0015356.
Tuberous sclerosis 2 (TSC2). Identifiers: Orphanet 805, MedGen C1860707, MONDO:0013199, OMIM 613254.
Tuberous sclerosis syndrome (TSC). Also called: Tuberous Sclerosis Complex; Tuberous sclerosis. Identifiers: Orphanet 805, MedGen C0041341, MONDO:0001734.

Allele frequency attached by ClinVar (database versions not stated): gnomAD exomes below 0.00001.
gnomAD v4.1: 1 of 1,611,174 alleles (0.000062%); highest among the groups gnomAD compares: Non-Finnish European, 0.000085%; no homozygotes.

Submissions (3):

Color Diagnostics, LLC DBA Color Health
Classification: Uncertain significance for Tuberous sclerosis syndrome. Last evaluated: 2025-09-22. Review status: criteria provided, single submitter. Criteria: ACMG Guidelines, 2015. Collection method: clinical testing. Allele origin: germline.
Comment: This variant causes an A to G nucleotide substitution at the +3 position of intron 32 of the TSC2 gene. To our knowledge, RNA studies have not been reported for this variant. This variant has not been reported in individuals affected with TSC2-related disorders in the literature. This variant has been identified in 1/248790 chromosomes in the general population by the Genome Aggregation Database (gnomAD). The available evidence is insufficient to determine the role of this variant in disease conclusively. Therefore, this variant is classified as a Variant of Uncertain Significance.

Ambry Genetics
Classification: Uncertain significance for Hereditary cancer-predisposing syndrome. Last evaluated: 2025-05-27. Review status: criteria provided, single submitter. Criteria: Ambry Variant Classification Scheme 2023. Collection method: clinical testing. Allele origin: germline.
Comment: The c.3883+3A>G intronic variant results from an A to G substitution 3 nucleotides after coding exon 31 in the TSC2 gene. This nucleotide position is highly conserved in available vertebrate species. In silico splice site analysis predicts that this alteration will weaken the native splice donor site. Based on the available evidence, the clinical significance of this variant remains unclear.

Labcorp Genetics (formerly Invitae), Labcorp
Classification: Uncertain significance for Tuberous sclerosis 2. Last evaluated: 2025-04-18. Review status: criteria provided, single submitter. Criteria: Invitae Variant Classification Sherloc (09022015). Collection method: clinical testing. Allele origin: germline.
Comment: This sequence change falls in intron 32 of the TSC2 gene. It does not directly change the encoded amino acid sequence of the TSC2 protein. It affects a nucleotide within the consensus splice site. This variant is present in population databases (no rsID available, gnomAD 0.006%). This variant has not been reported in the literature in individuals affected with TSC2-related conditions. ClinVar contains an entry for this variant (Variation ID: 824334). Variants that disrupt the consensus splice site are a relatively common cause of aberrant splicing (PMID: 17576681, 9536098). Algorithms developed to predict the effect of sequence changes on RNA splicing suggest that this variant may disrupt the consensus splice site. In summary, the available evidence is currently insufficient to determine the role of this variant in disease. Therefore, it has been classified as a Variant of Uncertain Significance.

Literature cited by the submitters: PubMed 17576681 (cited by Labcorp Genetics (formerly Invitae), Labcorp); PubMed 9536098 (cited by Labcorp Genetics (formerly Invitae), Labcorp).